The following is an entry in ClinVar:

ClinVar aggregate classification (germline): Uncertain significance (1 of 4 stars; one submission).

Conditions:
RASopathy. Also called: rasopathies; Noonan spectrum disorder. Identifiers: Orphanet 536391, MedGen C5555857, MONDO:0021060.

Submission:

Labcorp Genetics (formerly Invitae), Labcorp
Classification: Uncertain significance for RASopathy. Last evaluated: 2025-04-07. Review status: criteria provided, single submitter. Criteria: Invitae Variant Classification Sherloc (09022015). Collection method: clinical testing. Allele origin: germline.
Comment: This sequence change replaces aspartic acid, which is acidic and polar, with valine, which is neutral and non-polar, at codon 285 of the MAP2K2 protein (p.Asp285Val). This variant is not present in population databases (gnomAD no frequency). This variant has not been reported in the literature in individuals affected with MAP2K2-related conditions. ClinVar contains an entry for this variant (Variation ID: 2884735). Invitae Evidence Modeling of protein sequence and biophysical properties (such as structural, functional, and spatial information, amino acid conservation, physicochemical variation, residue mobility, and thermodynamic stability) indicates that this missense variant is not expected to disrupt MAP2K2 protein function with a negative predictive value of 95%. In summary, the available evidence is currently insufficient to determine the role of this variant in disease. Therefore, it has been classified as a Variant of Uncertain Significance.

NM_030662.4(MAP2K2):c.854A>T (p.Asp285Val)

Gene: MAP2K2 (mitogen-activated protein kinase kinase 2; minus strand). Cytogenetic location: 19p13.3.
Variant type: single nucleotide variant.
Coding change: c.854A>T on transcript NM_030662.4 (MANE Select); coding-DNA position 854, A replaced by T.
Protein change: p.Asp285Val; replaces aspartic acid 285 with valine.
Molecular consequence: missense variant.
Genome position (GRCh38, 1-based): chr19:4,099,266, T>A on the plus strand (A>T on the coding strand, the complement: MAP2K2 is on the minus strand). VCF-style: chr19-4099266-T-A. GRCh37 (hg19) VCF-style: chr19-4099264-T-A.
Other names: short protein forms D285V.
Identifiers: ClinVar variation 2884735 (VCV002884735.3), dbSNP rs2145049849, ClinGen allele CA403385423.
Genomic context (GRCh38, chr19:4,099,266, plus strand): 5'-ACGGGGCGCCCGGGGGGCCTCGGCCGAGGCGAGATGCTGTGAGGCTCTCCTTCTTCCCCG[T>A]CGACCACGGGCCGGCCAAAGATGGCCTCCAGCTCTTTGGCGTCGGGCGGGGGGATGGGGT-3'
Protein context (NP_109587.1, residues 275-295): LEAIFGRPVV[Asp285Val]GEEGEPHSIS